The following is an entry in ClinVar:

NM_016111.4(TELO2):c.706C>G (p.Pro236Ala)

Gene: TELO2 (telomere maintenance 2; plus strand). Cytogenetic location: 16p13.3.
Variant type: single nucleotide variant.
Coding change: c.706C>G on transcript NM_016111.4 (MANE Select); coding-DNA position 706, C replaced by G.
Protein change: p.Pro236Ala; replaces proline 236 with alanine.
Molecular consequence: missense variant.
Genome position (GRCh38, 1-based): chr16:1,497,384, C>G. VCF-style: chr16-1497384-C-G. GRCh37 (hg19) VCF-style: chr16-1547385-C-G.
Other names: c.706C>G, p.Pro236Ala (NM_001351846.2); short protein forms P236A.
Identifiers: ClinVar variation 1062204 (VCV001062204.7), dbSNP rs1446819953, ClinGen allele CA394209203.
Genomic context (GRCh38, chr16:1,497,384, plus strand): 5'-AGCTCCCCAGGCTCAGGTCCTCCGTCTGTCCCCTCAGAGGAGATCCTGGGCGTGCTGGTA[C>G]CCCGGCTGGCAGCGCTCACCCAGGGCAGCTACCTGCACCAGCGCGTCTGCTGGCGCCTGG-3'
Protein context (NP_057195.2, residues 226-246): RQQEILGVLV[Pro236Ala]RLAALTQGSY

ClinVar aggregate classification (germline): Uncertain significance (1 of 4 stars; one submission).

Allele frequency attached by ClinVar (database versions not stated): gnomAD exomes 0.00001.
gnomAD v4.1: 4 of 1,549,028 alleles (0.00026%); highest among the groups gnomAD compares: Non-Finnish European, 0.00035%; no homozygotes.

Submission:

Labcorp Genetics (formerly Invitae), Labcorp
Classification: Uncertain significance. Last evaluated: 2018-03-26. Review status: criteria provided, single submitter. Criteria: Invitae Variant Classification Sherloc (09022015). Collection method: clinical testing. Allele origin: germline.
Comment: This variant is not present in population databases (ExAC no frequency). In summary, the available evidence is currently insufficient to determine the role of this variant in disease. Therefore, it has been classified as a Variant of Uncertain Significance. Algorithms developed to predict the effect of sequence changes on RNA splicing suggest that this variant may create or strengthen a splice site, but this prediction has not been confirmed by published transcriptional studies. Algorithms developed to predict the effect of missense changes on protein structure and function do not agree on the potential impact of this missense change (SIFT: "Tolerated"; PolyPhen-2: "Probably Damaging"; Align-GVGD: "Class C0"). This variant has not been reported in the literature in individuals with TELO2-related disease. This sequence change replaces proline with alanine at codon 236 of the TELO2 protein (p.Pro236Ala). The proline residue is moderately conserved and there is a small physicochemical difference between proline and alanine.